The following is an entry in ClinVar:

NM_007194.4(CHEK2):c.1343_1344del (p.Ile448fs)

Gene: CHEK2 (checkpoint kinase 2; minus strand). Cytogenetic location: 22q12.1.
Variant type: Deletion.
Coding change: c.1343_1344del on transcript NM_007194.4 (MANE Select); coding-DNA positions 1343 to 1344, 2 bases deleted (TT; older notation c.1343_1344delTT).
Protein change: p.Ile448fs; shifts the reading frame from isoleucine 448.
Molecular consequence: frameshift variant.
Genome position (GRCh38, 1-based): chr22:28,695,158-28,695,159, AA deleted on the plus strand (TT on the coding strand, the reverse complement: CHEK2 is on the minus strand). VCF-style (leftmost placement, unchanged base first): chr22-28695157-GAA-G. GRCh37 (hg19) VCF-style: chr22-29091145-GAA-G.
Other names: c.1472_1473delTT, p.Ile491Thrfs (NM_001005735.3); c.680_681delTT, p.Ile227Thrfs (NM_001257387.3); c.1142_1143delTT, p.Ile381Thrfs (NM_001349956.3); c.1256_1257delTT, p.Ile419Thrfs (NM_145862.3); short protein forms I227fs, I448fs, I381fs, I419fs, I491fs.
Identifiers: ClinVar variation 1459920 (VCV001459920.7), dbSNP rs2145793644, ClinGen allele CA2573157927.

ClinVar aggregate classification (germline): Pathogenic (1 of 4 stars; one submission).

Conditions:
Familial cancer of breast. Also called: BREAST CANCER, FAMILIAL; hereditary breast carcinoma; Hereditary breast cancer. Identifiers: Orphanet 227535, MedGen C0346153, MONDO:0016419, OMIM 114480. Disease mechanism: loss of function.

Submission:

Labcorp Genetics (formerly Invitae), Labcorp
Classification: Pathogenic for Familial cancer of breast. Last evaluated: 2021-08-08. Review status: criteria provided, single submitter. Criteria: Invitae Variant Classification Sherloc (09022015). Collection method: clinical testing. Allele origin: germline.
Comment: This sequence change creates a premature translational stop signal (p.Ile448Thrfs*2) in the CHEK2 gene. It is expected to result in an absent or disrupted protein product. Loss-of-function variants in CHEK2 are known to be pathogenic (PMID: 21876083, 24713400). For these reasons, this variant has been classified as Pathogenic. This variant has not been reported in the literature in individuals affected with CHEK2-related conditions. This variant is not present in population databases (ExAC no frequency).

Literature cited by the submitters: PubMed 21876083; PubMed 24713400.